The following is an entry in ClinVar:

NM_000433.4(NCF2):c.199G>T (p.Asp67Tyr)

Gene: NCF2 (neutrophil cytosolic factor 2; minus strand). Cytogenetic location: 1q25.3.
Variant type: single nucleotide variant.
Coding change: c.199G>T on transcript NM_000433.4 (MANE Select); coding-DNA position 199, G replaced by T.
Protein change: p.Asp67Tyr; replaces aspartic acid 67 with tyrosine.
Molecular consequence: missense variant.
Genome position (GRCh38, 1-based): chr1:183,586,953, C>A on the plus strand (G>T on the coding strand, the complement: NCF2 is on the minus strand). VCF-style: chr1-183586953-C-A. GRCh37 (hg19) VCF-style: chr1-183556088-C-A.
Other names: c.199G>T, p.Asp67Tyr (NM_001127651.3, NM_001190789.2, NM_001190794.2); short protein forms D67Y.
Identifiers: ClinVar variation 1057931 (VCV001057931.9), dbSNP rs2102934452, ClinGen allele CA343683409.
Genomic context (GRCh38, chr1:183,586,953, plus strand): 5'-ACTTCTCTGTCTGGTAGTAGAGCATCCCTCGTTGGAAGTAAGCCACTGCCAAGTGCTTGT[C>A]TCGGTTAATGCTTCTGGTAAAGGCCTGAGGAGAGAAGGGTCCAGACATGGCCATGATGCA-3'
Protein context (NP_000424.2, residues 57-77): EKAFTRSINR[Asp67Tyr]KHLAVAYFQR

ClinVar aggregate classification (germline): Uncertain significance (1 of 4 stars; one submission).

Conditions:
Granulomatous disease, chronic, autosomal recessive, cytochrome b-positive, type 2. Also called: CGD, AUTOSOMAL RECESSIVE CYTOCHROME b-POSITIVE, TYPE II; Chronic Granulomatous Disease, Autosomal Recessive, Cytochrome b-Positive, Type II; GRANULOMATOUS DISEASE, CHRONIC, DUE TO NCF2 DEFICIENCY; GRANULOMATOUS DISEASE, CHRONIC, AUTOSOMAL RECESSIVE, 2; Chronic granulomatous disease due to deficiency of NCF-2. Identifiers: Orphanet 379, MedGen C1856245, MONDO:0009310, OMIM 233710.

Submission:

Labcorp Genetics (formerly Invitae), Labcorp
Classification: Uncertain significance for Granulomatous disease, chronic, autosomal recessive, cytochrome b-positive, type 2. Last evaluated: 2020-09-01. Review status: criteria provided, single submitter. Criteria: Invitae Variant Classification Sherloc (09022015). Collection method: clinical testing. Allele origin: germline.
Comment: In summary, the available evidence is currently insufficient to determine the role of this variant in disease. Therefore, it has been classified as a Variant of Uncertain Significance. Algorithms developed to predict the effect of missense changes on protein structure and function (SIFT, PolyPhen-2, Align-GVGD) all suggest that this variant is likely to be disruptive, but these predictions have not been confirmed by published functional studies and their clinical significance is uncertain. This variant has not been reported in the literature in individuals with NCF2-related conditions. This variant is not present in population databases (ExAC no frequency). This sequence change replaces aspartic acid with tyrosine at codon 67 of the NCF2 protein (p.Asp67Tyr). The aspartic acid residue is highly conserved and there is a large physicochemical difference between aspartic acid and tyrosine.